The following is an entry in ClinVar:

NM_002677.5(PMP2):c.238A>G (p.Lys80Glu)

Gene: PMP2 (peripheral myelin protein 2; minus strand). Cytogenetic location: 8q21.13.
Variant type: single nucleotide variant.
Coding change: c.238A>G on transcript NM_002677.5 (MANE Select); coding-DNA position 238, A replaced by G.
Protein change: p.Lys80Glu; replaces lysine 80 with glutamic acid.
Molecular consequence: missense variant. On other transcripts: intron variant (1).
Genome position (GRCh38, 1-based): chr8:81,444,825, T>C on the plus strand (A>G on the coding strand, the complement: PMP2 is on the minus strand). VCF-style: chr8-81444825-T-C. GRCh37 (hg19) VCF-style: chr8-82357060-T-C.
Other names: c.74-224A>G (NM_001348381.2); short protein forms K80E.
Identifiers: ClinVar variation 1897636 (VCV001897636.5), dbSNP rs761809537, ClinGen allele CA4791954.

ClinVar aggregate classification (germline): Uncertain significance (1 of 4 stars; one submission).

Allele frequency attached by ClinVar (database versions not stated): gnomAD 0.00001; gnomAD exomes 0.00003; TOPMed 0.00005; ExAC 0.00007.
gnomAD v4.1: 21 of 1,612,956 alleles (0.0013%); highest among the groups gnomAD compares: Admixed American, 0.035%; no homozygotes.

Submission:

Labcorp Genetics (formerly Invitae), Labcorp
Classification: Uncertain significance. Last evaluated: 2024-04-14. Review status: criteria provided, single submitter. Criteria: Invitae Variant Classification Sherloc (09022015). Collection method: clinical testing. Allele origin: germline.
Comment: This sequence change replaces lysine, which is basic and polar, with glutamic acid, which is acidic and polar, at codon 80 of the PMP2 protein (p.Lys80Glu). This variant is present in population databases (rs761809537, gnomAD 0.05%), and has an allele count higher than expected for a pathogenic variant. This variant has not been reported in the literature in individuals affected with PMP2-related conditions. ClinVar contains an entry for this variant (Variation ID: 1897636). An algorithm developed to predict the effect of missense changes on protein structure and function (PolyPhen-2) suggests that this variant is likely to be tolerated. In summary, the available evidence is currently insufficient to determine the role of this variant in disease. Therefore, it has been classified as a Variant of Uncertain Significance.